The following is an entry in ClinVar:

ClinVar aggregate classification (germline): Pathogenic/Likely pathogenic. Review status: criteria provided, multiple submitters, no conflicts (2 of 4 stars). 6 submissions from 6 submitters: Pathogenic (5); Likely pathogenic (1). Last evaluated 2026-04-16.

Conditions:
Hereditary factor IX deficiency disease (HEMB). Also called: Christmas Disease; F9 DEFICIENCY; FACTOR IX DEFICIENCY; PLASMA THROMBOPLASTIN COMPONENT DEFICIENCY; Hemophilia B. Identifiers: Orphanet 98879, MedGen C0008533, MeSH D002836, MONDO:0010604, OMIM 306900.
Thrombophilia, X-linked, due to factor 9 defect. Identifiers: MedGen C2749016, MONDO:0010432, OMIM 300807.
F9-related disorder. Also called: F9-related condition.
Hereditary factor VIII deficiency disease (HEMA). Also called: AUTOSOMAL HEMOPHILIA A; Hemophilia A; HEMOPHILIA, CLASSIC; Hemophilia A, congenital; HEM A; Factor 8 deficiency, congenital. Identifiers: Orphanet 98878, MedGen C0019069, MONDO:0010602, OMIM 306700.

Allele frequency attached by ClinVar (database versions not stated): TOPMed 0.00003.

Submissions (6):

PreventionGenetics, part of Exact Sciences
Classification: Pathogenic for F9-related condition. Last evaluated: 2026-04-16. Review status: criteria provided, single submitter. Criteria: ACMG Guidelines, 2015. Collection method: clinical testing. Allele origin: germline.
Comment: The F9 c.*1157A>G variant is located in the 3' untranslated region. This variant has been reported in multiple individuals with Hemophilia B (Vielhaber et al. 1993. PubMed ID: 8401514; Parrado Jara et al. 2020. PubMed ID: 32155688). This variant has not been reported in a large population database, indicating this variant is rare. This variant is interpreted as pathogenic.

GeneDx
Classification: Pathogenic. Last evaluated: 2025-03-27. Review status: criteria provided, single submitter. Criteria: GeneDx Variant Classification Process June 2021. Collection method: clinical testing. Allele origin: germline. Affected: yes.
Comment: Published functional studies found this variant results in the creation of a new binding site for the spliceosomal component U1snRNP leading to downregulation of F9 mRNA with significantly reduced FIX protein and coagulation activity (PMID: 32267853); Nucleotide is not conserved across species and the substitution has no predicted effect on splicing; No data available from control populations to assess the frequency of this variant; Also known as c.32528 A>G; This variant is associated with the following publications: (PMID: 33314404, 10874302, 10192459, 31064749, 38538340, 35269902, 32633083, 8401514, 12687663, 32155688, 32267853)

Labcorp Genetics (formerly Invitae), Labcorp
Classification: Pathogenic for Thrombophilia, X-linked, due to factor 9 defect; Hereditary factor IX deficiency disease. Last evaluated: 2023-09-18. Review status: criteria provided, single submitter. Criteria: Invitae Variant Classification Sherloc (09022015). Collection method: clinical testing. Allele origin: germline.
Comment: This variant occurs in a non-coding region of the F9 gene. It does not change the encoded amino acid sequence of the F9 protein. The frequency data for this variant in the population databases is considered unreliable, as metrics indicate insufficient coverage at this position in the gnomAD database. This variant has been observed in individual(s) with hemophilia B (PMID: 8401514, 31064749, 32155688). In at least one individual the variant was observed to be de novo. This variant is also known as 32,528A>G or c.2545A>G. ClinVar contains an entry for this variant (Variation ID: 627188). Studies have shown that this variant alters F9 gene expression (PMID: 32267853). For these reasons, this variant has been classified as Pathogenic.

Women's Health and Genetics/Laboratory Corporation of America, LabCorp
Classification: Pathogenic for Hereditary factor IX deficiency disease. Last evaluated: 2023-08-31. Review status: criteria provided, single submitter. Criteria: LabCorp Variant Classification Summary - May 2015. Collection method: clinical testing. Allele origin: germline.
Comment: Variant summary: F9 c.*1157A>G (also known as 32528A>G) is located in the untranslated mRNA region downstream of the termination codon. The variant was absent in 21563 control chromosomes (gnomAD). c.*1157A>G has been reported in the literature in multiple individuals affected with Factor IX Deficiency/Hemophilia B (e.g. Vielhaber_1993, Hinks_1999, Liu_2000, Bicocchi_2003, Downes_2019, Parrado Jara_2020). These data indicate that the variant is very likely to be associated with disease. Minigene assays have demonstrated that the variant creates a U1snRNP binding site, which recruits the U1snRNP complex. This suppresses the nearby poly(A) site from correctly processing the 3' end of the transcript, leading to RNA degradation (Krooss_2020). The following publications have been ascertained in the context of this evaluation (PMID: 12687663, 31064749, 10192459, 32267853, 10874302, 32155688, 8401514). Two ClinVar submitters have assessed the variant since 2014, one classified the variant as likely pathogenic and the other as pathogenic . Based on the evidence outlined above, the variant was classified as pathogenic.

Molecular Diagnostics Laboratory, M Health Fairview: University of Minnesota
Classification: Likely pathogenic for Hereditary factor IX deficiency disease. Last evaluated: 2023-07-24. Review status: criteria provided, single submitter. Criteria: ACMG Guidelines, 2015. Collection method: clinical testing. Allele origin: germline. Affected: yes.

NIHR Bioresource Rare Diseases, University of Cambridge
Classification: Pathogenic for Hereditary factor VIII deficiency disease. Last evaluated: 2019-02-01. Review status: criteria provided, single submitter. Criteria: ACMG Guidelines, 2015. Collection method: research. Allele origin: unknown. Affected: yes. Observed: 1 hemizygote. Study: ThromboGenomics.

Literature cited by the submitters: PubMed 8401514 (cited by Labcorp Genetics (formerly Invitae), Labcorp and Women's Health and Genetics/Laboratory Corporation of America, LabCorp); PubMed 31064749 (cited by 3 submitters); PubMed 32155688 (cited by Labcorp Genetics (formerly Invitae), Labcorp and Women's Health and Genetics/Laboratory Corporation of America, LabCorp); PubMed 32267853 (cited by Labcorp Genetics (formerly Invitae), Labcorp and Women's Health and Genetics/Laboratory Corporation of America, LabCorp); PubMed 12687663 (cited by Women's Health and Genetics/Laboratory Corporation of America, LabCorp); PubMed 10192459 (cited by Women's Health and Genetics/Laboratory Corporation of America, LabCorp); PubMed 10874302 (cited by Women's Health and Genetics/Laboratory Corporation of America, LabCorp).

NM_000133.4(F9):c.*1157A>G

Gene: F9 (coagulation factor IX; plus strand). Cytogenetic location: Xq27.1.
Variant type: single nucleotide variant.
Coding change: c.*1157A>G on transcript NM_000133.4 (MANE Select); 1157 bases downstream of the stop codon, A replaced by G.
Molecular consequence: 3 prime UTR variant.
Genome position (GRCh38, 1-based): chrX:139,563,228, A>G. VCF-style: chrX-139563228-A-G. GRCh37 (hg19) VCF-style: chrX-138645387-A-G.
Other names: c.*1157A>G (NM_001313913.2, NM_000133.3).
Identifiers: ClinVar variation 627188 (VCV000627188.9), dbSNP rs1317977313, ClinGen allele CA872129091.